The following is an entry in ClinVar:

ClinVar aggregate classification (germline): Uncertain significance (1 of 4 stars; one submission).

Conditions:
Hereditary cancer-predisposing syndrome. Also called: Neoplastic Syndromes, Hereditary; Tumor predisposition; Hereditary neoplastic syndrome; Hereditary Cancer Syndrome. Identifiers: Orphanet 140162, MedGen C0027672, MeSH D009386, MONDO:0015356.

Submission:

Ambry Genetics
Classification: Uncertain significance for Hereditary cancer-predisposing syndrome. Last evaluated: 2024-05-10. Review status: criteria provided, single submitter. Criteria: Ambry Variant Classification Scheme 2023. Collection method: clinical testing. Allele origin: germline.
Comment: The p.Q1425K variant (also known as c.4273C>A), located in coding exon 28 of the ATM gene, results from a C to A substitution at nucleotide position 4273. The glutamine at codon 1425 is replaced by lysine, an amino acid with similar properties. This amino acid position is conserved. In addition, this alteration is predicted to be tolerated by in silico analysis. Based on the available evidence, the clinical significance of this variant remains unclear.

NM_000051.4(ATM):c.4273C>A (p.Gln1425Lys)

Gene: ATM (ATM serine/threonine kinase; plus strand). Cytogenetic location: 11q22.3.
Variant type: single nucleotide variant.
Coding change: c.4273C>A on transcript NM_000051.4 (MANE Select); coding-DNA position 4273, C replaced by A.
Protein change: p.Gln1425Lys; replaces glutamine 1425 with lysine.
Molecular consequence: missense variant.
Genome position (GRCh38, 1-based): chr11:108,289,638, C>A. VCF-style: chr11-108289638-C-A. GRCh37 (hg19) VCF-style: chr11-108160365-C-A.
Other names: c.4273C>A, p.Gln1425Lys (NM_001351834.2); short protein forms Q1425K.
Identifiers: ClinVar variation 3326041 (VCV003326041.1).